The following is an entry in ClinVar:

NM_000138.5(FBN1):c.463C>T (p.Leu155Phe)

Gene: FBN1 (fibrillin 1; minus strand). Cytogenetic location: 15q21.1.
Variant type: single nucleotide variant.
Coding change: c.463C>T on transcript NM_000138.5 (MANE Select); coding-DNA position 463, C replaced by T.
Protein change: p.Leu155Phe; replaces leucine 155 with phenylalanine.
Molecular consequence: missense variant.
Genome position (GRCh38, 1-based): chr15:48,596,358, G>A on the plus strand (C>T on the coding strand, the complement: FBN1 is on the minus strand). VCF-style: chr15-48596358-G-A. GRCh37 (hg19) VCF-style: chr15-48888555-G-A.
Other names: short protein forms L155F.
Identifiers: ClinVar variation 921240 (VCV000921240.4), dbSNP rs1324666333, ClinGen allele CA392446374.

ClinVar aggregate classification (germline): Uncertain significance (1 of 4 stars; one submission).

Conditions:
Familial thoracic aortic aneurysm and aortic dissection (TAAD). Also called: Thoracic aortic aneurysms and dissections. Identifiers: Orphanet 91387, MedGen C4707243, MONDO:0019625.

Allele frequency attached by ClinVar (database versions not stated): gnomAD exomes below 0.00001; TOPMed 0.00001.
gnomAD v4.1: 1 of 1,614,046 alleles (0.000062%); highest among the groups gnomAD compares: Non-Finnish European, 0.000085%; no homozygotes.

Submission:

Color Diagnostics, LLC DBA Color Health
Classification: Uncertain significance for Familial thoracic aortic aneurysm and aortic dissection. Last evaluated: 2024-03-07. Review status: criteria provided, single submitter. Criteria: ACMG Guidelines, 2015. Collection method: clinical testing. Allele origin: germline.
Comment: This missense variant replaces leucine with phenylalanine at codon 155 of the FBN1 protein. Computational prediction is inconclusive regarding the impact of this variant on protein structure and function (internally defined REVEL score threshold 0.5 < inconclusive < 0.7, PMID: 27666373). Splice site prediction tools suggest that this variant may not impact RNA splicing. To our knowledge, functional studies have not been performed for this variant. This variant has not been reported in individuals affected with cardiovascular disorders in the literature. This variant has not been identified in the general population by the Genome Aggregation Database (gnomAD). The available evidence is insufficient to determine the role of this variant in disease conclusively. Therefore, this variant is classified as a Variant of Uncertain Significance.